The following is an entry in ClinVar:

NM_001105206.3(LAMA4):c.3283-1G>A

Gene: LAMA4 (laminin subunit alpha 4; minus strand). Cytogenetic location: 6q21.
Variant type: single nucleotide variant.
Coding change: c.3283-1G>A on transcript NM_001105206.3 (MANE Select); the canonical splice acceptor site of the intron before coding-DNA position 3283, G replaced by A.
Molecular consequence: splice acceptor variant.
Genome position (GRCh38, 1-based): chr6:112,136,255, C>T on the plus strand (G>A on the coding strand, the complement: LAMA4 is on the minus strand). VCF-style: chr6-112136255-C-T. GRCh37 (hg19) VCF-style: chr6-112457457-C-T.
Other names: c.3262-1G>A (NM_002290.5, NM_001105207.3).
Identifiers: ClinVar variation 1015706 (VCV001015706.7), dbSNP rs1779338258, ClinGen allele CA365377868.

ClinVar aggregate classification (germline): Uncertain significance (1 of 4 stars; one submission).

Conditions:
Dilated cardiomyopathy 1JJ (CMD1JJ). Identifiers: Orphanet 154, MedGen C3808935, MONDO:0014095, OMIM 615235.

Submission:

Labcorp Genetics (formerly Invitae), Labcorp
Classification: Uncertain significance for Dilated cardiomyopathy 1JJ. Last evaluated: 2020-08-28. Review status: criteria provided, single submitter. Criteria: Invitae Variant Classification Sherloc (09022015). Collection method: clinical testing. Allele origin: germline.
Comment: This variant is not present in population databases (ExAC no frequency). In summary, the available evidence is currently insufficient to determine the role of this variant in disease. Therefore, it has been classified as a Variant of Uncertain Significance. The current clinical and genetic evidence is not sufficient to establish whether loss-of-function variants in LAMA4 cause disease. This variant has not been reported in the literature in individuals with LAMA4-related conditions. This sequence change affects an acceptor splice site in intron 24 of the LAMA4 gene. It is expected to disrupt RNA splicing and likely results in an absent or disrupted protein product.